The following is an entry in ClinVar:

NM_000540.3(RYR1):c.1595A>G (p.Asn532Ser)

Gene: RYR1 (ryanodine receptor 1; plus strand). Cytogenetic location: 19q13.2.
Variant type: single nucleotide variant.
Coding change: c.1595A>G on transcript NM_000540.3 (MANE Select); coding-DNA position 1595, A replaced by G.
Protein change: p.Asn532Ser; replaces asparagine 532 with serine.
Molecular consequence: missense variant.
Genome position (GRCh38, 1-based): chr19:38,455,469, A>G. VCF-style: chr19-38455469-A-G. GRCh37 (hg19) VCF-style: chr19-38946109-A-G.
Other names: c.1595A>G, p.Asn532Ser (NM_001042723.2); short protein forms N532S.
Identifiers: ClinVar variation 1061463 (VCV001061463.9), dbSNP rs780036569, ClinGen allele CA062179.

ClinVar aggregate classification (germline): Uncertain significance. Review status: criteria provided, multiple submitters, no conflicts (2 of 4 stars). 3 submissions from 3 submitters: Uncertain significance (3). Last evaluated 2025-07-15.

Conditions:
RYR1-related disorder. Also called: RYR1-related disorders; RYR1-related condition. Identifiers: MedGen CN239331.
Malignant hyperthermia, susceptibility to, 1 (MHS1). Also called: RYR1-Related Malignant Hyperthermia Susceptibility; Anesthesia related hyperthermia; Malignant hyperpyrexia; Fulminating hyperpyrexia; Pharmacogenic myopathy; Malignant hyperthermia suceptibility 1. Identifiers: Orphanet 423, MedGen C2930980, MONDO:0007783, OMIM 145600.

Allele frequency attached by ClinVar (database versions not stated): ExAC 0.00001; gnomAD exomes 0.00001 and 0.00004.
gnomAD v4.1: 64 of 1,614,124 alleles (0.004%); highest among the groups gnomAD compares: Non-Finnish European, 0.0051%; no homozygotes.

Submissions (3):

Color Diagnostics, LLC DBA Color Health
Classification: Uncertain significance for Malignant hyperthermia, susceptibility to, 1. Last evaluated: 2025-07-15. Review status: criteria provided, single submitter. Criteria: ACMG Guidelines, 2015. Collection method: clinical testing. Allele origin: germline.
Comment: This missense variant replaces asparagine with serine at codon 532 of the RYR1 protein. Computational prediction suggests that this variant may have deleterious impact on protein structure and function. To our knowledge, functional studies have not been reported for this variant. This variant has not been reported in individuals affected with RYR1-related disorders in the literature. This variant has been identified in 2/251496 chromosomes in the general population by the Genome Aggregation Database (gnomAD). The available evidence is insufficient to determine the role of this variant in disease conclusively. Therefore, this variant is classified as a Variant of Uncertain Significance.

All of Us Research Program, National Institutes of Health
Classification: Uncertain significance for Malignant hyperthermia, susceptibility to, 1. Last evaluated: 2024-03-05. Review status: criteria provided, single submitter. Criteria: ACMG Guidelines, 2015. Collection method: clinical testing. Allele origin: germline. Inheritance: Autosomal dominant inheritance. Observed: 5 variant alleles, 5 heterozygotes.
Comment: This missense variant replaces asparagine with serine at codon 532 of the RYR1 protein. Computational prediction suggests that this variant may have deleterious impact on protein structure and function (internally defined REVEL score threshold >= 0.7, PMID: 27666373). To our knowledge, functional studies have not been reported for this variant. This variant has not been reported in individuals affected with RYR1-related disorders in the literature. This variant has been identified in 2/251496 chromosomes in the general population by the Genome Aggregation Database (gnomAD). The available evidence is insufficient to determine the role of this variant in disease conclusively. Therefore, this variant is classified as a Variant of Uncertain Significance.

This study involves interpretation of variants in research participants for the purpose of population health screening. Participant phenotype was not available at the time of variant classification. Additional details can be found in publication PMID: 35346344, PMCID: PMC8962531

Labcorp Genetics (formerly Invitae), Labcorp
Classification: Uncertain significance for RYR1-related disorder. Last evaluated: 2021-09-02. Review status: criteria provided, single submitter. Criteria: Invitae Variant Classification Sherloc (09022015). Collection method: clinical testing. Allele origin: germline.
Comment: This sequence change replaces asparagine with serine at codon 532 of the RYR1 protein (p.Asn532Ser). The asparagine residue is highly conserved and there is a small physicochemical difference between asparagine and serine. This variant is present in population databases (rs780036569, ExAC 0.001%). This variant has not been reported in the literature in individuals affected with RYR1-related conditions. Algorithms developed to predict the effect of missense changes on protein structure and function are either unavailable or do not agree on the potential impact of this missense change (SIFT: "Deleterious"; PolyPhen-2: "Probably Damaging"; Align-GVGD: "Class C0"). Algorithms developed to predict the effect of sequence changes on RNA splicing suggest that this variant may create or strengthen a splice site. In summary, the available evidence is currently insufficient to determine the role of this variant in disease. Therefore, it has been classified as a Variant of Uncertain Significance.